The following is an entry in ClinVar:

NM_018116.4(MSTO1):c.1463C>T (p.Pro488Leu)

Gene: MSTO1 (misato mitochondrial distribution and morphology regulator 1; plus strand). Cytogenetic location: 1q22.
Variant type: single nucleotide variant.
Coding change: c.1463C>T on transcript NM_018116.4 (MANE Select); coding-DNA position 1463, C replaced by T.
Protein change: p.Pro488Leu; replaces proline 488 with leucine.
Molecular consequence: missense variant. On other transcripts: synonymous variant (3), non-coding transcript variant (6).
Genome position (GRCh38, 1-based): chr1:155,613,731, C>T. VCF-style: chr1-155613731-C-T. GRCh37 (hg19) VCF-style: chr1-155583522-C-T.
Other names: c.1463C>T, p.Pro488Leu (NM_001256532.1, NM_001256533.1, NM_001350772.1 and 1 more transcripts); c.1500C>T, p.Thr500= (NM_001350773.1, NM_001350774.1); c.1298C>T, p.Pro433Leu (NM_001350776.1); c.932C>T, p.Pro311Leu (NM_001350777.1, NM_001350778.1, NM_001350779.1); c.929C>T, p.Pro310Leu (NM_001350780.1, NM_001350781.1, NM_001350782.1 and 2 more transcripts); c.920C>T, p.Pro307Leu (NM_001350784.1, NM_001350785.1, NM_001350787.1 and 1 more transcripts); c.966C>T, p.Thr322= (NM_001350786.1); short protein forms P307L, P310L, P311L, P433L, P488L.
Identifiers: ClinVar variation 1675384 (VCV001675384.34), dbSNP rs371544149, ClinGen allele CA1148235.

ClinVar aggregate classification (germline): Conflicting classifications of pathogenicity. Review status: criteria provided, conflicting classifications (1 of 4 stars). 2 submissions from 2 submitters: Uncertain significance (1); Likely benign (1). Last evaluated 2025-11-01.

Allele frequency attached by ClinVar (database versions not stated): ESP Exome Variant Server 0.00025; 1000 Genomes Project 30x 0.00219.

Submissions (2):

CeGaT Center for Human Genetics Tuebingen
Classification: Likely benign. Last evaluated: 2025-11-01. Review status: criteria provided, single submitter. Criteria: CeGaT Center For Human Genetics Tuebingen Variant Classification Criteria Version 2. Collection method: clinical testing. Allele origin: germline. Affected: yes. Observed: 5 variant alleles.
Comment: MSTO1: BP4

Breakthrough Genomics
Classification: Uncertain significance. Review status: criteria provided, single submitter. Criteria: ACMG Guidelines, 2015. Collection method: not provided. Allele origin: germline. Inheritance: Autosomal recessive inheritance. Affected: yes.